The following is an entry in ClinVar:

NM_005235.3(ERBB4):c.1622+4A>T

Gene: ERBB4 (erb-b2 receptor tyrosine kinase 4; minus strand). Cytogenetic location: 2q34.
Variant type: single nucleotide variant.
Coding change: c.1622+4A>T on transcript NM_005235.3 (MANE Select); 4 bases into the intron after coding-DNA position 1622, A replaced by T.
Molecular consequence: intron variant.
Genome position (GRCh38, 1-based): chr2:211,679,048, T>A on the plus strand (A>T on the coding strand, the complement: ERBB4 is on the minus strand). VCF-style: chr2-211679048-T-A. GRCh37 (hg19) VCF-style: chr2-212543773-T-A.
Other names: c.1622+4A>T (NM_001042599.2, NM_001439006.1, NM_001439005.1).
Identifiers: ClinVar variation 4712572 (VCV004712572.1).
Genomic context (GRCh38, chr2:211,679,048, plus strand): 5'-AAAATCAGAACTAATCAGTCCTTCAAAGCTCATGAGGTGAAGGCAACCCTAGAAGAAGCC[T>A]TACCCATCATAGAGGTTACAAGACTCTATGCAGATCCTTCCTCTACTGAAGCGGCGACAC-3'

ClinVar aggregate classification (germline): Uncertain significance (1 of 4 stars; one submission).

gnomAD v4.1: 1 of 1,602,858 alleles (0.000062%); highest among the groups gnomAD compares: East Asian, 0.0023%; no homozygotes.

Submission:

Labcorp Genetics (formerly Invitae), Labcorp
Classification: Uncertain significance. Last evaluated: 2025-07-21. Review status: criteria provided, single submitter. Criteria: Invitae Variant Classification Sherloc (09022015). Collection method: clinical testing. Allele origin: germline.
Comment: This sequence change falls in intron 13 of the ERBB4 gene. It does not directly change the encoded amino acid sequence of the ERBB4 protein. It affects a nucleotide within the consensus splice site. The frequency data for this variant in the population databases is considered unreliable, as metrics indicate poor data quality at this position in the gnomAD database. This variant has not been reported in the literature in individuals affected with ERBB4-related conditions. Variants that disrupt the consensus splice site are a relatively common cause of aberrant splicing (PMID: 17576681, 9536098). Algorithms developed to predict the effect of sequence changes on RNA splicing suggest that this variant is not likely to affect RNA splicing. In summary, the available evidence is currently insufficient to determine the role of this variant in disease. Therefore, it has been classified as a Variant of Uncertain Significance.

Literature cited by the submitters: PubMed 17576681; PubMed 9536098.